The following is an entry in ClinVar:

NM_015001.3(SPEN):c.376_377dup (p.Gly127fs)

Gene: SPEN (spen family transcriptional repressor; plus strand). Cytogenetic location: 1p36.21.
Variant type: Microsatellite.
Coding change: c.376_377dup on transcript NM_015001.3 (MANE Select); coding-DNA positions 376 to 377, 2 bases duplicated (GA; older notation c.376_377dupGA).
Protein change: p.Gly127fs; shifts the reading frame from glycine 127.
Molecular consequence: frameshift variant.
Genome position (GRCh38, 1-based): chr1:15,873,108-15,873,109, GA duplicated; duplicating any 2 consecutive bases within chr1:15,873,106-15,873,109 gives the same sequence; the c. name uses the placement nearest the transcript's 3' end. VCF-style (leftmost placement, unchanged base first): chr1-15873105-C-CGA. GRCh37 (hg19) VCF-style: chr1-16199600-C-CGA.
Other names: short protein forms G127fs.
Identifiers: ClinVar variation 4813054 (VCV004813054.1).
Genomic context (GRCh38, chr1:15,873,105, plus strand): 5'-TCTGGGTTCAGAGGAGGTGGTGGAGGGCCTGCTTATGGTCCCCCACCGTCACTTCATGCA[C>CGA]GAGAAGGACGTTATGAGCGGAGACTTGATGGGTAAGTTCCAAGGTTTCTGTAGGCAGGTA-3'

ClinVar aggregate classification (germline): Likely pathogenic (1 of 4 stars; one submission).

Conditions:
Radio-Tartaglia syndrome. Identifiers: Orphanet 662234, MedGen C5543339, MONDO:0859143, OMIM 619312.

Submission:

Variantyx, Inc.
Classification: Likely pathogenic for Radio-Tartaglia syndrome. Last evaluated: 2025-09-15. Review status: criteria provided, single submitter. Criteria: Variantyx Assertion Criteria 2022. Collection method: clinical testing. Allele origin: germline. Inheritance: Autosomal dominant inheritance. Affected: yes.
Comment: This is a frameshift variant in the SPEN gene (OMIM: 613484). Pathogenic variants in this gene have been associated with autosomal dominant Radio Tartaglia syndrome. This variant introduces a premature termination codon in exon 5 out of 15. It is expected to result in loss of function, which is a known disease mechanism for SPEN in this disorder (PMID: 33596411, 17457934) (PVS1). This variant is absent from control populations (PM2). Based on the current evidence, this variant is classified as likely pathogenic for autosomal dominant Radio Tartaglia syndrome.

Literature cited by the submitters: PubMed 33596411; PubMed 17457934.